The following is an entry in ClinVar:

NM_007227.3(GPR45):c.300G>A (p.Trp100Ter)

Gene: GPR45 (G protein-coupled receptor 45; plus strand). Cytogenetic location: 2q12.1.
Variant type: single nucleotide variant.
Coding change: c.300G>A on transcript NM_007227.3 (MANE Select); coding-DNA position 300, G replaced by A.
Protein change: p.Trp100Ter; replaces tryptophan 100 with a stop codon.
Molecular consequence: nonsense.
Genome position (GRCh38, 1-based): chr2:105,242,158, G>A. VCF-style: chr2-105242158-G-A. GRCh37 (hg19) VCF-style: chr2-105858615-G-A.
Other names: short protein forms W100*.
Identifiers: ClinVar variation 2957709 (VCV002957709.3), dbSNP rs1322464207, ClinGen allele CA348099749.

ClinVar aggregate classification (germline): Uncertain significance (1 of 4 stars; one submission).

Submission:

Labcorp Genetics (formerly Invitae), Labcorp
Classification: Uncertain significance. Last evaluated: 2025-08-18. Review status: criteria provided, single submitter. Criteria: Invitae Variant Classification Sherloc (09022015). Collection method: clinical testing. Allele origin: germline.
Comment: This sequence change creates a premature translational stop signal (p.Trp100*) in the GPR45 gene. While this is not anticipated to result in nonsense mediated decay, it is expected to disrupt the last 273 amino acid(s) of the GPR45 protein. The frequency data for this variant in the population databases is considered unreliable, as metrics indicate poor data quality at this position in the gnomAD database. This variant has not been reported in the literature in individuals affected with GPR45-related conditions. ClinVar contains an entry for this variant (Variation ID: 2957709). Experimental studies and prediction algorithms are not available or were not evaluated, and the functional significance of this variant is currently unknown. In summary, the available evidence is currently insufficient to determine the role of this variant in disease. Therefore, it has been classified as a Variant of Uncertain Significance.